The following is an entry in ClinVar:

ClinVar aggregate classification (germline): Uncertain significance (1 of 4 stars; one submission).

Allele frequency attached by ClinVar (database versions not stated): gnomAD exomes below 0.00001; TOPMed below 0.00001.
gnomAD v4.1: 1 of 1,614,100 alleles (0.000062%); highest among the groups gnomAD compares: Admixed American, 0.0017%; no homozygotes.

Submission:

Labcorp Genetics (formerly Invitae), Labcorp
Classification: Uncertain significance. Last evaluated: 2022-07-26. Review status: criteria provided, single submitter. Criteria: Invitae Variant Classification Sherloc (09022015). Collection method: clinical testing. Allele origin: germline.
Comment: Algorithms developed to predict the effect of missense changes on protein structure and function are either unavailable or do not agree on the potential impact of this missense change (SIFT: "Tolerated"; PolyPhen-2: "Possibly Damaging"; Align-GVGD: "Class C0"). In summary, the available evidence is currently insufficient to determine the role of this variant in disease. Therefore, it has been classified as a Variant of Uncertain Significance. ClinVar contains an entry for this variant (Variation ID: 1010635). This variant has not been reported in the literature in individuals affected with SPP2-related conditions. This variant is present in population databases (no rsID available, gnomAD 0.003%). This sequence change replaces arginine, which is basic and polar, with serine, which is neutral and polar, at codon 93 of the SPP2 protein (p.Arg93Ser).

NM_006944.3(SPP2):c.279G>C (p.Arg93Ser)

Gene: SPP2 (secreted phosphoprotein 2; plus strand). Cytogenetic location: 2q37.1.
Variant type: single nucleotide variant.
Coding change: c.279G>C on transcript NM_006944.3 (MANE Select); coding-DNA position 279, G replaced by C.
Protein change: p.Arg93Ser; replaces arginine 93 with serine.
Molecular consequence: missense variant.
Genome position (GRCh38, 1-based): chr2:234,058,904, G>C. VCF-style: chr2-234058904-G-C. GRCh37 (hg19) VCF-style: chr2-234967548-G-C.
Other names: short protein forms R93S.
Identifiers: ClinVar variation 1010635 (VCV001010635.8), dbSNP rs1297018807, ClinGen allele CA351101915.
Genomic context (GRCh38, chr2:234,058,904, plus strand): 5'-CCTAGATGAGAACAACTTGGTCATGAATTTAGAGTTCAGCATCCGGGAGACTACATGCAG[G>C]AAGGATTCTGGAGAAGATCCCGCTACATGTGCCTTCCAGAGGGACTACTATGTGGTAAGT-3'
Protein context (NP_008875.1, residues 83-103): LEFSIRETTC[Arg93Ser]KDSGEDPATC